The following is an entry in ClinVar:

NM_001243279.3(ACSF3):c.1126+5G>A

Genes: ACSF3 (acyl-CoA synthetase family member 3; plus strand), LOC125177393 (P300/CBP strongly-dependent group 1 enhancer GRCh37_chr16:89180375-89181574; plus strand). Cytogenetic location: 16q24.3.
Variant type: single nucleotide variant.
Coding change: c.1126+5G>A on transcript NM_001243279.3 (MANE Select); 5 bases into the intron after coding-DNA position 1126, G replaced by A.
Molecular consequence: intron variant.
Genome position (GRCh38, 1-based): chr16:89,114,492, G>A. VCF-style: chr16-89114492-G-A. GRCh37 (hg19) VCF-style: chr16-89180900-G-A.
Other names: c.1126+5G>A (NM_001127214.4, NM_174917.5); c.331+5G>A (NM_001284316.2).
Identifiers: ClinVar variation 2153251 (VCV002153251.2), dbSNP rs371622529, ClinGen allele CA8237978.

ClinVar aggregate classification (germline): Uncertain significance (1 of 4 stars; one submission).

Conditions:
Combined malonic and methylmalonic acidemia. Identifiers: Orphanet 289504, MedGen C3280314, MONDO:0013661, OMIM 614265.

Submission:

Labcorp Genetics (formerly Invitae), Labcorp
Classification: Uncertain significance for Combined malonic and methylmalonic acidemia. Last evaluated: 2025-06-07. Review status: criteria provided, single submitter. Criteria: Invitae Variant Classification Sherloc (09022015). Collection method: clinical testing. Allele origin: germline.
Comment: This sequence change falls in intron 6 of the ACSF3 gene. It does not directly change the encoded amino acid sequence of the ACSF3 protein. It affects a nucleotide within the consensus splice site. This variant is present in population databases (rs371622529, gnomAD 0.01%). This variant has not been reported in the literature in individuals affected with ACSF3-related conditions. ClinVar contains an entry for this variant (Variation ID: 2153251). Variants that disrupt the consensus splice site are a relatively common cause of aberrant splicing (PMID: 17576681, 9536098). Algorithms developed to predict the effect of sequence changes on RNA splicing suggest that this variant is not likely to affect RNA splicing. In summary, the available evidence is currently insufficient to determine the role of this variant in disease. Therefore, it has been classified as a Variant of Uncertain Significance.

Literature cited by the submitters: PubMed 17576681; PubMed 9536098.